The following is an entry in ClinVar:

NM_014927.5(CNKSR2):c.1844_1846del (p.Glu615del)

Gene: CNKSR2 (connector enhancer of kinase suppressor of Ras 2; plus strand). Cytogenetic location: Xp22.12.
Variant type: Deletion.
Coding change: c.1844_1846del on transcript NM_014927.5 (MANE Select); coding-DNA positions 1844 to 1846, 3 bases deleted (AAG; older notation c.1844_1846delAAG).
Protein change: p.Glu615del; deletes glutamic acid 615.
Molecular consequence: inframe deletion.
Genome position (GRCh38, 1-based): chrX:21,594,987-21,594,989, AAG deleted; deleting any 3 consecutive bases within chrX:21,594,985-21,594,989 gives the same sequence; the c. name uses the placement nearest the transcript's 3' end. VCF-style (leftmost placement, unchanged base first): chrX-21594984-CAGA-C. GRCh37 (hg19) VCF-style: chrX-21613102-CAGA-C.
Other names: c.1754_1756del, p.Glu585del (NM_001168647.3, NM_001330773.2); c.1844_1846del, p.Glu615del (NM_001168648.3); c.1697_1699del, p.Glu566del (NM_001168649.3, NM_001330770.2); c.1607_1609del, p.Glu536del (NM_001330771.2, NM_001330772.2); short protein forms E536del, E566del, E585del, E615del.
Identifiers: ClinVar variation 1321248 (VCV001321248.2), dbSNP rs2147257943, ClinGen allele CA2573055209.

ClinVar aggregate classification (germline): Uncertain significance. Review status: criteria provided, multiple submitters, no conflicts (2 of 4 stars). 2 submissions from 2 submitters: Uncertain significance (2). Last evaluated 2023-12-22.

Conditions:
Intellectual developmental disorder, X-linked, syndromic, Houge type. Also called: MENTAL RETARDATION, X-LINKED, SYNDROMIC, HOUGE TYPE; Intellectual disability, X-linked, syndromic, Houge type. Identifiers: MedGen C4538788, MONDO:0030909, OMIM 301008.

Submissions (2):

Blueprint Genetics
Classification: Uncertain significance. Last evaluated: 2023-12-22. Review status: criteria provided, single submitter. Criteria: ACMG Guidelines, 2015. Collection method: clinical testing. Allele origin: germline.

3billion
Classification: Uncertain significance for Intellectual developmental disorder, X-linked, syndromic, Houge type. Last evaluated: 2021-10-25. Review status: criteria provided, single submitter. Criteria: ACMG Guidelines, 2015. Collection method: clinical testing. Allele origin: maternal. Affected: yes. Observed: 1 hemizygote.
Comment: Inframe deletion located in a nonrepeat region: predicted to change the length of the protein and disrupt normal protein function (PM4). It is not observed in the gnomAD v2.1.1 dataset (PM2). This variant is classified as uncertain significance according to the recommendation of ACMG/AMP guideline.